The following is an entry in ClinVar:

ClinVar aggregate classification (germline): Uncertain significance. Review status: criteria provided, multiple submitters, no conflicts (2 of 4 stars). 5 submissions from 5 submitters: Uncertain significance (5). Last evaluated 2026-02-16.

Conditions:
TRPM4-related disorder. Also called: TRPM4-related condition; TRPM4-related disorders. Identifiers: MedGen CN239424.
Erythrokeratodermia variabilis et progressiva 6. Identifiers: MedGen C5193144, MONDO:0032801, OMIM 618531.
Progressive familial heart block type IB (PFHB1B). Identifiers: Orphanet 871, MedGen C1970298, MONDO:0011474, OMIM 604559.
Cardiovascular phenotype. Identifiers: MedGen CN230736.

Allele frequency attached by ClinVar (database versions not stated): gnomAD 0.00007 and 0.00009; ESP Exome Variant Server 0.00008; ExAC 0.00009; TOPMed 0.00009; gnomAD exomes 0.00012; 1000 Genomes Project 0.00020; 1000 Genomes Project 30x 0.00031.
gnomAD v4.1: 127 of 1,614,168 alleles (0.0079%); highest among the groups gnomAD compares: Middle Eastern, 0.033%; no homozygotes.

Submissions (5):

Ambry Genetics
Classification: Uncertain significance for Cardiovascular phenotype. Last evaluated: 2026-02-16. Review status: criteria provided, single submitter. Criteria: Ambry Variant Classification Scheme 2023. Collection method: clinical testing. Allele origin: germline.
Comment: The c.1756G>C (p.V586L) alteration is located in exon 13 (coding exon 13) of the TRPM4 gene. This alteration results from a G to C substitution at nucleotide position 1756, causing the valine (V) at amino acid position 586 to be replaced by a leucine (L). Based on data from gnomAD, the C allele has an overall frequency of 0.011% (30/282876) total alleles studied. The highest observed frequency was 0.083% (6/7226) of Other alleles. Based on insufficient or conflicting evidence, the clinical significance of this alteration remains unclear.

Labcorp Genetics (formerly Invitae), Labcorp
Classification: Uncertain significance for Progressive familial heart block type IB. Last evaluated: 2026-01-18. Review status: criteria provided, single submitter. Criteria: Invitae Variant Classification Sherloc (09022015). Collection method: clinical testing. Allele origin: germline.
Comment: This sequence change replaces valine, which is neutral and non-polar, with leucine, which is neutral and non-polar, at codon 586 of the TRPM4 protein (p.Val586Leu). This variant is present in population databases (rs369462197, gnomAD 0.01%). This missense change has been observed in individual(s) with sudden unexpected death (PMID: 30391667). ClinVar contains an entry for this variant (Variation ID: 468932). An algorithm developed to predict the effect of missense changes on protein structure and function (PolyPhen-2) suggests that this variant is likely to be tolerated. In summary, the available evidence is currently insufficient to determine the role of this variant in disease. Therefore, it has been classified as a Variant of Uncertain Significance.

PreventionGenetics, part of Exact Sciences
Classification: Uncertain significance for TRPM4-related condition. Last evaluated: 2023-07-18. Review status: criteria provided, single submitter. Criteria: ACMG Guidelines, 2015. Collection method: clinical testing. Allele origin: germline.
Comment: The TRPM4 c.1756G>C variant is predicted to result in the amino acid substitution p.Val586Leu. This variant was reported in an individual with sudden unexplained death; however, pathogenicity was not established (Subbotina et al 2018. PubMed ID: 30391667). This variant is reported in 0.017% of alleles in individuals of Latino descent in gnomAD. Although we suspect that this variant may be benign, at this time, the clinical significance of this variant is uncertain due to the absence of conclusive functional and genetic evidence.

Fulgent Genetics
Classification: Uncertain significance for Progressive familial heart block type IB; Erythrokeratodermia variabilis et progressiva 6. Last evaluated: 2021-09-09. Review status: criteria provided, single submitter. Criteria: ACMG Guidelines, 2015. Collection method: clinical testing. Allele origin: unknown.

GeneDx
Classification: Uncertain significance. Last evaluated: 2021-08-13. Review status: criteria provided, single submitter. Criteria: GeneDx Variant Classification Process June 2021. Collection method: clinical testing. Allele origin: germline. Affected: yes.
Comment: Reported in a patient with sudden unexplained death (Subbotina et al., 2018); Reported in ClinVar as a variant of uncertain significance (ClinVar Variant ID# 468932; Landrum et al., 2016); In silico analysis supports that this missense variant does not alter protein structure/function; This variant is associated with the following publications: (PMID: 26582918, 30391667)

Literature cited by the submitters: PubMed 30391667 (cited by Labcorp Genetics (formerly Invitae), Labcorp).

NM_017636.4(TRPM4):c.1756G>C (p.Val586Leu)

Gene: TRPM4 (transient receptor potential cation channel subfamily M member 4; plus strand). Cytogenetic location: 19q13.33.
Variant type: single nucleotide variant.
Coding change: c.1756G>C on transcript NM_017636.4 (MANE Select); coding-DNA position 1756, G replaced by C.
Protein change: p.Val586Leu; replaces valine 586 with leucine.
Molecular consequence: missense variant.
Genome position (GRCh38, 1-based): chr19:49,188,653, G>C. VCF-style: chr19-49188653-G-C. GRCh37 (hg19) VCF-style: chr19-49691910-G-C.
Other names: c.1756G>C, p.Val586Leu (NM_001195227.2); c.1411G>C, p.Val471Leu (NM_001321281.2); c.148G>C, p.Val50Leu (NM_001321282.2); c.1234G>C, p.Val412Leu (NM_001321283.2); c.694G>C, p.Val232Leu (NM_001321285.2); short protein forms V586L, V471L, V232L, V412L, V50L.
Identifiers: ClinVar variation 468932 (VCV000468932.13), dbSNP rs369462197, ClinGen allele CA9569312.